The following is an entry in ClinVar:

NM_000284.4(PDHA1):c.845T>G (p.Met282Arg)

Gene: PDHA1 (pyruvate dehydrogenase E1 subunit alpha 1; plus strand). Cytogenetic location: Xp22.12.
Variant type: single nucleotide variant.
Coding change: c.845T>G on transcript NM_000284.4 (MANE Select); coding-DNA position 845, T replaced by G.
Protein change: p.Met282Arg; replaces methionine 282 with arginine.
Molecular consequence: missense variant.
Genome position (GRCh38, 1-based): chrX:19,357,665, T>G. VCF-style: chrX-19357665-T-G. GRCh37 (hg19) VCF-style: chrX-19375783-T-G.
Other names: c.959T>G, p.Met320Arg (NM_001173454.2); c.866T>G, p.Met289Arg (NM_001173455.2); c.752T>G, p.Met251Arg (NM_001173456.2); short protein forms M251R, M282R, M289R, M320R.
Identifiers: ClinVar variation 4070375 (VCV004070375.1).

ClinVar aggregate classification (germline): Pathogenic (0 of 4 stars; one submission).

Conditions:
Pyruvate dehydrogenase E1-alpha deficiency (PDHAD). Also called: ATAXIA, INTERMITTENT, WITH PYRUVATE DEHYDROGENASE DEFICIENCY; ATAXIA WITH LACTIC ACIDOSIS I; ATAXIA, INTERMITTENT, WITH ABNORMAL PYRUVATE METABOLISM; Ataxia, intermittent, with pyruvate dehydrogenase, or decarboxylase, deficiency. Identifiers: Orphanet 79243, MedGen C1839413, MONDO:0010717, OMIM 312170.

Submission:

PDHA1 Study Group, University Children’s Hospital, Paracelsus Medical University
Classification: Pathogenic for Pyruvate dehydrogenase E1-alpha deficiency. Last evaluated: 2024-10-15. Review status: no assertion criteria provided. Collection method: research. Allele origin: de novo. Affected: yes. Observed: 1 variant allele.
Comment: The NM_000284.3:c.845T>G (p.Met282Arg) substitution is a missense variant in PDHA1 gene. Among them, 1 case had confirmed de novo occurrence. Last literature search: July 12, 2024. This variant is absent or extremely rare in population-based cohorts in the Genome Aggregation Database (gnomAD). Individuals harboring this variant presented with clinical features compatible with PDHA1-related PDHc deficiency. In summary, this variant meets criteria to be classified as pathogenic (P) for PDHA1-related PDHc deficiency based on the ACMG/AMP criteria applied: PS2, PM1, PM2, PM5, PP3 (last assessment October 15, 2024).

Literature cited by the submitters: DOI 10.1093/brain/awaf430.